The following is an entry in ClinVar:

NM_024675.4(PALB2):c.2035C>T (p.Pro679Ser)

Gene: PALB2 (partner and localizer of BRCA2; minus strand). Cytogenetic location: 16p12.2.
Variant type: single nucleotide variant.
Coding change: c.2035C>T on transcript NM_024675.4 (MANE Select); coding-DNA position 2035, C replaced by T.
Protein change: p.Pro679Ser; replaces proline 679 with serine.
Molecular consequence: missense variant.
Genome position (GRCh38, 1-based): chr16:23,630,119, G>A on the plus strand (C>T on the coding strand, the complement: PALB2 is on the minus strand). VCF-style: chr16-23630119-G-A. GRCh37 (hg19) VCF-style: chr16-23641440-G-A.
Other names: c.1975C>T, p.Pro659Ser (NM_001407296.1); c.2035C>T, p.Pro679Ser (NM_001407297.1, NM_001407298.1, NM_001407299.1 and 3 more transcripts); c.1150C>T, p.Pro384Ser (NM_001407304.1, NM_001407305.1, NM_001407306.1 and 5 more transcripts); c.247C>T, p.Pro83Ser (NM_001407312.1, NM_001407313.1); short protein forms P384S, P83S, P659S, P679S.
Identifiers: ClinVar variation 1784811 (VCV001784811.3), dbSNP rs2142382817, ClinGen allele CA395126939.
Genomic context (GRCh38, chr16:23,630,119, plus strand): 5'-AAAGGCCCGTCTTTGTATGCTGGCTTTGCGAGTTTGGCCTTTTGGGATGTGATTTTCCTG[G>A]TAGAACAATAAGGTCCTCTTCTAAGTCCTCCATTTCTGTATCCATGCGTTTAGGACTCAG-3'
Protein context (NP_078951.2, residues 669-689): EDLEEDLIVL[Pro679Ser]GKSHPKRPNS

ClinVar aggregate classification (germline): Uncertain significance. Review status: criteria provided, multiple submitters, no conflicts (2 of 4 stars). 2 submissions from 2 submitters: Uncertain significance (2). Last evaluated 2026-01-26.

Conditions:
Hereditary cancer-predisposing syndrome. Also called: Neoplastic Syndromes, Hereditary; Tumor predisposition; Hereditary Cancer Syndrome; Hereditary neoplastic syndrome. Identifiers: Orphanet 140162, MedGen C0027672, MeSH D009386, MONDO:0015356.
Familial cancer of breast. Also called: BREAST CANCER, FAMILIAL; Hereditary breast cancer; hereditary breast carcinoma. Identifiers: Orphanet 227535, MedGen C0346153, MONDO:0016419, OMIM 114480. Disease mechanism: loss of function.

Submissions (2):

Labcorp Genetics (formerly Invitae), Labcorp
Classification: Uncertain significance for Familial cancer of breast. Last evaluated: 2026-01-26. Review status: criteria provided, single submitter. Criteria: Invitae Variant Classification Sherloc (09022015). Collection method: clinical testing. Allele origin: germline.
Comment: This sequence change replaces proline, which is neutral and non-polar, with serine, which is neutral and polar, at codon 679 of the PALB2 protein (p.Pro679Ser). This variant is not present in population databases (gnomAD no frequency). This variant has not been reported in the literature in individuals affected with PALB2-related conditions. ClinVar contains an entry for this variant (Variation ID: 1784811). Invitae Evidence Modeling of protein sequence and biophysical properties (such as structural, functional, and spatial information, amino acid conservation, physicochemical variation, residue mobility, and thermodynamic stability) indicates that this missense variant is not expected to disrupt PALB2 protein function with a negative predictive value of 80%. In summary, the available evidence is currently insufficient to determine the role of this variant in disease. Therefore, it has been classified as a Variant of Uncertain Significance.

Ambry Genetics
Classification: Uncertain significance for Hereditary cancer-predisposing syndrome. Last evaluated: 2021-04-06. Review status: criteria provided, single submitter. Criteria: Ambry Variant Classification Scheme 2023. Collection method: clinical testing. Allele origin: germline.
Comment: The p.P679S variant (also known as c.2035C>T), located in coding exon 5 of the PALB2 gene, results from a C to T substitution at nucleotide position 2035. The proline at codon 679 is replaced by serine, an amino acid with similar properties. This amino acid position is not well conserved in available vertebrate species. In addition, this alteration is predicted to be tolerated by in silico analysis. Since supporting evidence is limited at this time, the clinical significance of this alteration remains unclear.